The following is an entry in ClinVar:

ClinVar aggregate classification (germline): Pathogenic (1 of 4 stars; one submission).

Submission:

Labcorp Genetics (formerly Invitae), Labcorp
Classification: Pathogenic. Last evaluated: 2023-12-24. Review status: criteria provided, single submitter. Criteria: Invitae Variant Classification Sherloc (09022015). Collection method: clinical testing. Allele origin: germline.
Comment: This sequence change creates a premature translational stop signal (p.Gly148Alafs*3) in the LAMC2 gene. It is expected to result in an absent or disrupted protein product. Loss-of-function variants in LAMC2 are known to be pathogenic (PMID: 11907499, 16473856). This variant is not present in population databases (gnomAD no frequency). This variant has not been reported in the literature in individuals affected with LAMC2-related conditions. For these reasons, this variant has been classified as Pathogenic.

Literature cited by the submitters: PubMed 11907499; PubMed 16473856.

NM_005562.3(LAMC2):c.441_442del (p.Gly148fs)

Gene: LAMC2 (laminin subunit gamma 2; plus strand). Cytogenetic location: 1q25.3.
Variant type: Deletion.
Coding change: c.441_442del on transcript NM_005562.3 (MANE Select); coding-DNA positions 441 to 442, 2 bases deleted (AG; older notation c.441_442delAG).
Protein change: p.Gly148fs; shifts the reading frame from glycine 148.
Molecular consequence: frameshift variant.
Genome position (GRCh38, 1-based): chr1:183,218,426-183,218,427, AG deleted. VCF-style (leftmost placement, unchanged base first): chr1-183218425-CAG-C. GRCh37 (hg19) VCF-style: chr1-183187560-CAG-C.
Other names: c.441_442del, p.Gly148fs (NM_018891.3); short protein forms G148fs.
Identifiers: ClinVar variation 2705214 (VCV002705214.3), dbSNP rs2526020363, ClinGen allele CA2697554737.